The following is an entry in ClinVar:

NM_001080453.3(INTS1):c.4575C>T (p.Ile1525=)

Gene: INTS1 (integrator complex subunit 1; minus strand). Cytogenetic location: 7p22.3.
Variant type: single nucleotide variant.
Coding change: c.4575C>T on transcript NM_001080453.3 (MANE Select); coding-DNA position 4575, C replaced by T.
Protein change: p.Ile1525=; no amino-acid change (isoleucine 1525 retained).
Molecular consequence: synonymous variant.
Genome position (GRCh38, 1-based): chr7:1,478,421, G>A on the plus strand (C>T on the coding strand, the complement: INTS1 is on the minus strand). VCF-style: chr7-1478421-G-A. GRCh37 (hg19) VCF-style: chr7-1518057-G-A.
Other names: c.1092C>T, p.Ile364= (NM_015674.1).
Identifiers: ClinVar variation 2657186 (VCV002657186.25), dbSNP rs180881535, ClinGen allele CA4118792.

ClinVar aggregate classification (germline): Likely benign. Review status: criteria provided, multiple submitters, no conflicts (2 of 4 stars). 2 submissions from 2 submitters: Likely benign (2). Last evaluated 2025-11-01.

Allele frequency attached by ClinVar (database versions not stated): 1000 Genomes Project 0.00020; 1000 Genomes Project 30x 0.00031; ExAC 0.00094; gnomAD 0.00115; TOPMed 0.00124; ESP Exome Variant Server 0.00140; gnomAD exomes 0.00181.

Submissions (2):

CeGaT Center for Human Genetics Tuebingen
Classification: Likely benign. Last evaluated: 2025-11-01. Review status: criteria provided, single submitter. Criteria: CeGaT Center For Human Genetics Tuebingen Variant Classification Criteria Version 2. Collection method: clinical testing. Allele origin: germline. Affected: yes. Observed: 7 variant alleles.
Comment: INTS1: BP4, BP7

Blueprint Genetics
Classification: Likely benign. Last evaluated: 2024-11-18. Review status: criteria provided, single submitter. Criteria: ACMG Guidelines, 2015. Collection method: clinical testing. Allele origin: germline.